The following is an entry in ClinVar:

NM_000426.4(LAMA2):c.3110T>C (p.Ile1037Thr)

Gene: LAMA2 (laminin subunit alpha 2; plus strand). Cytogenetic location: 6q22.33.
Variant type: single nucleotide variant.
Coding change: c.3110T>C on transcript NM_000426.4 (MANE Select); coding-DNA position 3110, T replaced by C.
Protein change: p.Ile1037Thr; replaces isoleucine 1037 with threonine.
Molecular consequence: missense variant.
Genome position (GRCh38, 1-based): chr6:129,300,808, T>C. VCF-style: chr6-129300808-T-C. GRCh37 (hg19) VCF-style: chr6-129621953-T-C.
Other names: c.3110T>C, p.Ile1037Thr (NM_001079823.2); short protein forms I1037T.
Identifiers: ClinVar variation 211351 (VCV000211351.15), dbSNP rs797045679, ClinGen allele CA205625.

ClinVar aggregate classification (germline): Uncertain significance. Review status: criteria provided, multiple submitters, no conflicts (2 of 4 stars). 5 submissions from 5 submitters: Uncertain significance (4). 1 of the submissions does not count toward it. Last evaluated 2024-02-06.

Conditions:
Inborn genetic diseases. Identifiers: MedGen C0950123, MeSH D030342.
LAMA2-related muscular dystrophy (LAMA2-RD). Also called: Laminin alpha 2-related dystrophy. Identifiers: MedGen C5679788, MONDO:0100228.
Merosin deficient congenital muscular dystrophy (MDC1A). Also called: Congenital merosin-deficient muscular dystrophy 1A; Congenital Muscular Dystrophy Type 1A (MDC1A). Identifiers: Orphanet 258, MedGen C1263858, MONDO:0011925, OMIM 607855.

Allele frequency attached by ClinVar (database versions not stated): gnomAD exomes below 0.00001; gnomAD 0.00001; TOPMed 0.00001.
gnomAD v4.1: 6 of 1,613,602 alleles (0.00037%); highest among the groups gnomAD compares: Admixed American, 0.0033%; no homozygotes.

Submissions (5):

Ambry Genetics
Classification: Uncertain significance for Inborn genetic diseases. Last evaluated: 2024-02-06. Review status: criteria provided, single submitter. Criteria: Ambry Variant Classification Scheme 2023. Collection method: clinical testing. Allele origin: germline.

Labcorp Genetics (formerly Invitae), Labcorp
Classification: Uncertain significance for LAMA2-related muscular dystrophy. Last evaluated: 2022-03-03. Review status: criteria provided, single submitter. Criteria: Invitae Variant Classification Sherloc (09022015). Collection method: clinical testing. Allele origin: germline.
Comment: This sequence change replaces isoleucine, which is neutral and non-polar, with threonine, which is neutral and polar, at codon 1037 of the LAMA2 protein (p.Ile1037Thr). This variant is not present in population databases (gnomAD no frequency). This variant has not been reported in the literature in individuals affected with LAMA2-related conditions. ClinVar contains an entry for this variant (Variation ID: 211351). Advanced modeling of protein sequence and biophysical properties (such as structural, functional, and spatial information, amino acid conservation, physicochemical variation, residue mobility, and thermodynamic stability) performed at Invitae indicates that this missense variant is not expected to disrupt LAMA2 protein function. In summary, the available evidence is currently insufficient to determine the role of this variant in disease. Therefore, it has been classified as a Variant of Uncertain Significance.

Revvity Omics, Revvity
Classification: Uncertain significance. Last evaluated: 2019-07-17. Review status: criteria provided, single submitter. Criteria: ACMG Guidelines, 2015. Collection method: clinical testing. Allele origin: germline.

Genetic Services Laboratory, University of Chicago
Classification: Uncertain significance. Last evaluated: 2015-07-07. Review status: criteria provided, single submitter. Criteria: ACMG Guidelines, 2015. Collection method: clinical testing. Allele origin: germline.

Counsyl
Classification: Uncertain significance for Merosin deficient congenital muscular dystrophy. Last evaluated: 2017-06-28. Review status: no assertion criteria provided. Collection method: clinical testing. Allele origin: unknown. Not counted in ClinVar's aggregate classification.